The following is an entry in ClinVar:

ClinVar aggregate classification (germline): Uncertain significance. Review status: criteria provided, multiple submitters, no conflicts (2 of 4 stars). 2 submissions from 2 submitters: Uncertain significance (2). Last evaluated 2024-01-24.

Conditions:
Inborn genetic diseases. Identifiers: MedGen C0950123, MeSH D030342.
Charcot-Marie-Tooth disease axonal type 2V. Also called: CHARCOT-MARIE-TOOTH NEUROPATHY, TYPE 2V; CHARCOT-MARIE-TOOTH DISEASE, AXONAL, AUTOSOMAL DOMINANT, TYPE 2V. Identifiers: Orphanet 447964, MedGen C5569050, MONDO:0014665, OMIM 616491.
Mucopolysaccharidosis, MPS-III-B (MPS3B). Also called: N-ACETYL-ALPHA-D-GLUCOSAMINIDASE DEFICIENCY; NAGLU DEFICIENCY; SANFILIPPO SYNDROME B; MPS III B; MUCOPOLYSACCHARIDOSIS, TYPE IIIB; MPS IIIB (Sanfilippo Syndrome Type B). Identifiers: Orphanet 79270, MedGen C0086648, MONDO:0009656, OMIM 252920.

Allele frequency attached by ClinVar (database versions not stated): gnomAD exomes 0.00001.
gnomAD v4.1: 3 of 1,610,016 alleles (0.00019%); highest among the groups gnomAD compares: Admixed American, 0.005%; no homozygotes.

Submissions (2):

Ambry Genetics
Classification: Uncertain significance for Inborn genetic diseases. Last evaluated: 2024-01-24. Review status: criteria provided, single submitter. Criteria: Ambry Variant Classification Scheme 2023. Collection method: clinical testing. Allele origin: germline.

Labcorp Genetics (formerly Invitae), Labcorp
Classification: Uncertain significance for Charcot-Marie-Tooth disease axonal type 2V; Mucopolysaccharidosis, MPS-III-B. Last evaluated: 2022-04-25. Review status: criteria provided, single submitter. Criteria: Invitae Variant Classification Sherloc (09022015). Collection method: clinical testing. Allele origin: germline.
Comment: This sequence change replaces valine, which is neutral and non-polar, with methionine, which is neutral and non-polar, at codon 739 of the NAGLU protein (p.Val739Met). This variant is not present in population databases (gnomAD no frequency). This variant has not been reported in the literature in individuals affected with NAGLU-related conditions. Advanced modeling of protein sequence and biophysical properties (such as structural, functional, and spatial information, amino acid conservation, physicochemical variation, residue mobility, and thermodynamic stability) performed at Invitae indicates that this missense variant is not expected to disrupt NAGLU protein function. In summary, the available evidence is currently insufficient to determine the role of this variant in disease. Therefore, it has been classified as a Variant of Uncertain Significance.

NM_000263.4(NAGLU):c.2215G>A (p.Val739Met)

Gene: NAGLU (N-acetyl-alpha-glucosaminidase; plus strand). Cytogenetic location: 17q21.2.
Variant type: single nucleotide variant.
Coding change: c.2215G>A on transcript NM_000263.4 (MANE Select); coding-DNA position 2215, G replaced by A.
Protein change: p.Val739Met; replaces valine 739 with methionine.
Molecular consequence: missense variant.
Genome position (GRCh38, 1-based): chr17:42,544,221, G>A. VCF-style: chr17-42544221-G-A. GRCh37 (hg19) VCF-style: chr17-40696239-G-A.
Other names: c.2215G>A (NM_000263.3); short protein forms V739M.
Identifiers: ClinVar variation 2140974 (VCV002140974.2), dbSNP rs1488990082, ClinGen allele CA399606497.